The following is an entry in ClinVar:

NM_002582.4(PARN):c.1153A>G (p.Ile385Val)

Gene: PARN (poly(A)-specific ribonuclease; minus strand). Cytogenetic location: 16p13.12.
Variant type: single nucleotide variant.
Coding change: c.1153A>G on transcript NM_002582.4 (MANE Select); coding-DNA position 1153, A replaced by G.
Protein change: p.Ile385Val; replaces isoleucine 385 with valine.
Molecular consequence: missense variant.
Genome position (GRCh38, 1-based): chr16:14,582,220, T>C on the plus strand (A>G on the coding strand, the complement: PARN is on the minus strand). VCF-style: chr16-14582220-T-C. GRCh37 (hg19) VCF-style: chr16-14676077-T-C.
Other names: c.970A>G, p.Ile324Val (NM_001134477.3); c.1015A>G, p.Ile339Val (NM_001242992.2); short protein forms I324V, I339V, I385V.
Identifiers: ClinVar variation 4791318 (VCV004791318.1).

ClinVar aggregate classification (germline): Uncertain significance (1 of 4 stars; one submission).

Conditions:
Pulmonary fibrosis and/or bone marrow failure, Telomere-related, 4. Also called: PULMONARY FIBROSIS AND/OR BONE MARROW FAILURE SYNDROME, TELOMERE-RELATED, 4. Identifiers: Orphanet 2032, MedGen C4225347, MONDO:0014612, OMIM 616371.
Dyskeratosis congenita, autosomal recessive 6 (DKCB6). Identifiers: MedGen C4225356, MONDO:0014600, OMIM 616353.

gnomAD v4.1: 1 of 1,613,314 alleles (0.000062%); highest among the groups gnomAD compares: Non-Finnish European, 0.000085%; no homozygotes.

Submission:

Labcorp Genetics (formerly Invitae), Labcorp
Classification: Uncertain significance for Dyskeratosis congenita, autosomal recessive 6; Pulmonary fibrosis and/or bone marrow failure, Telomere-related, 4. Last evaluated: 2026-01-27. Review status: criteria provided, single submitter. Criteria: Invitae Variant Classification Sherloc (09022015). Collection method: clinical testing. Allele origin: germline.
Comment: This sequence change replaces isoleucine, which is neutral and non-polar, with valine, which is neutral and non-polar, at codon 385 of the PARN protein (p.Ile385Val). This variant is not present in population databases (gnomAD no frequency). This variant has not been reported in the literature in individuals affected with PARN-related conditions. Invitae Evidence Modeling of protein sequence and biophysical properties (such as structural, functional, and spatial information, amino acid conservation, physicochemical variation, residue mobility, and thermodynamic stability) indicates that this missense variant is not expected to disrupt PARN protein function with a negative predictive value of 80%. In summary, the available evidence is currently insufficient to determine the role of this variant in disease. Therefore, it has been classified as a Variant of Uncertain Significance.